The following is an entry in ClinVar:

NM_001077365.2(POMT1):c.767T>A (p.Leu256Ter)

Gene: POMT1 (protein O-mannosyltransferase 1; plus strand). Cytogenetic location: 9q34.13.
Variant type: single nucleotide variant.
Coding change: c.767T>A on transcript NM_001077365.2 (MANE Select); coding-DNA position 767, T replaced by A.
Protein change: p.Leu256Ter; replaces leucine 256 with a stop codon.
Molecular consequence: nonsense. On other transcripts: synonymous variant (1), non-coding transcript variant (10).
Genome position (GRCh38, 1-based): chr9:131,510,327, T>A. VCF-style: chr9-131510327-T-A. GRCh37 (hg19) VCF-style: chr9-134385714-T-A.
Other names: c.605T>A, p.Leu202Ter (NM_001077366.2, NM_001353194.2, NM_001374693.1); c.767T>A, p.Leu256Ter (NM_001136113.2, NM_001374690.1); c.416T>A, p.Leu139Ter (NM_001136114.2, NM_001353195.2, NM_001374691.1 and 1 more transcripts); c.833T>A, p.Leu278Ter (NM_001353193.2, NM_007171.4); c.677T>A, p.Leu226Ter (NM_001353196.2); c.671T>A, p.Leu224Ter (NM_001353197.2, NM_001353198.2); c.482T>A, p.Leu161Ter (NM_001353199.2); c.311T>A, p.Leu104Ter (NM_001353200.2); and 2 more; short protein forms L104*, L126*, L139*, L161*, L202*, L224*, L226*, L256*.
Identifiers: ClinVar variation 1691624 (VCV001691624.3), dbSNP rs2131653908, ClinGen allele CA375307747.

ClinVar aggregate classification (germline): Likely pathogenic (1 of 4 stars; one submission).

Submission:

GeneDx
Classification: Likely pathogenic. Last evaluated: 2022-06-07. Review status: criteria provided, single submitter. Criteria: GeneDx Variant Classification Process June 2021. Collection method: clinical testing. Allele origin: germline. Affected: yes.
Comment: Nonsense variant predicted to result in protein truncation or nonsense mediated decay in a gene for which loss-of-function is a known mechanism of disease; Not observed in large population cohorts (gnomAD; Has not been previously published as pathogenic or benign to our knowledge